The following is an entry in ClinVar:

ClinVar aggregate classification (germline): Uncertain significance (1 of 4 stars; one submission).

Conditions:
Hereditary cancer-predisposing syndrome. Also called: Neoplastic Syndromes, Hereditary; Tumor predisposition; Hereditary Cancer Syndrome; Hereditary neoplastic syndrome. Identifiers: Orphanet 140162, MedGen C0027672, MeSH D009386, MONDO:0015356.

Submission:

Ambry Genetics
Classification: Uncertain significance for Hereditary cancer-predisposing syndrome. Last evaluated: 2025-11-11. Review status: criteria provided, single submitter. Criteria: Ambry Variant Classification Scheme 2023. Collection method: clinical testing. Allele origin: germline.
Comment: The p.S1212P variant (also known as c.3634T>C), located in coding exon 15 of the APC gene, results from a T to C substitution at nucleotide position 3634. The serine at codon 1212 is replaced by proline, an amino acid with similar properties. This amino acid position is conserved. In addition, in silico predictors for this gene do not accurately predict pathogenicity. Based on the available evidence, the clinical significance of this variant remains unclear.

NM_000038.6(APC):c.3634T>C (p.Ser1212Pro)

Gene: APC (APC regulator of Wnt signaling pathway; plus strand). Cytogenetic location: 5q22.2.
Variant type: single nucleotide variant.
Coding change: c.3634T>C on transcript NM_000038.6 (MANE Select); coding-DNA position 3634, T replaced by C.
Protein change: p.Ser1212Pro; replaces serine 1212 with proline.
Molecular consequence: missense variant. On other transcripts: non-coding transcript variant (2).
Genome position (GRCh38, 1-based): chr5:112,839,228, T>C. VCF-style: chr5-112839228-T-C. GRCh37 (hg19) VCF-style: chr5-112174925-T-C.
Other names: c.3550T>C, p.Ser1184Pro (NM_001354899.2); c.3511T>C, p.Ser1171Pro (NM_001354900.2); c.3457T>C, p.Ser1153Pro (NM_001354901.2, NM_001407453.1); c.3361T>C, p.Ser1121Pro (NM_001354902.2); c.3331T>C, p.Ser1111Pro (NM_001354903.2, NM_001407458.1, NM_001407459.1 and 1 more transcripts); c.3256T>C, p.Ser1086Pro (NM_001354904.2); c.3154T>C, p.Ser1052Pro (NM_001354905.2); c.2785T>C, p.Ser929Pro (NM_001354906.2, NM_001407470.1); and 11 more; short protein forms S1202P, S1205P, S1222P, S1230P, S929P, S1121P, S1171P, S828P.
Identifiers: ClinVar variation 4589656 (VCV004589656.1).